The following is an entry in ClinVar:

NM_001082486.2(ACD):c.1273C>T (p.Leu425Phe)

Gene: ACD (ACD shelterin complex subunit and telomerase recruitment factor; minus strand). Cytogenetic location: 16q22.1.
Variant type: single nucleotide variant.
Coding change: c.1273C>T on transcript NM_001082486.2 (MANE Select); coding-DNA position 1273, C replaced by T.
Protein change: p.Leu425Phe; replaces leucine 425 with phenylalanine.
Molecular consequence: missense variant.
Genome position (GRCh38, 1-based): chr16:67,657,787, G>A on the plus strand (C>T on the coding strand, the complement: ACD is on the minus strand). VCF-style: chr16-67657787-G-A. GRCh37 (hg19) VCF-style: chr16-67691690-G-A.
Other names: c.1186C>T, p.Leu396Phe (NM_001410884.1); c.1264C>T, p.Leu422Phe (NM_022914.3); short protein forms L396F, L422F, L425F.
Identifiers: ClinVar variation 1774636 (VCV001774636.3), dbSNP rs2543596736, ClinGen allele CA396349859.
Genomic context (GRCh38, chr16:67,657,787, plus strand): 5'-AGTGACCAAGAGTTGGGGCAGACCCAGGCACTCACCTGACAGCTTGGACCCGAGCACAGA[G>A]GGACGTGCAGGGTGGCTCATACTCATACTGGAAGGCAGAACCATCACGATGCCTCTTTGG-3'
Protein context (NP_001075955.2, residues 415-435): QYEYEPPCTS[Leu425Phe]CARVQAVRLP

ClinVar aggregate classification (germline): Uncertain significance (1 of 4 stars; one submission).

Conditions:
Inborn genetic diseases. Identifiers: MedGen C0950123, MeSH D030342.

Submission:

Ambry Genetics
Classification: Uncertain significance for Inborn genetic diseases. Last evaluated: 2024-10-20. Review status: criteria provided, single submitter. Criteria: Ambry Variant Classification Scheme 2023. Collection method: clinical testing. Allele origin: germline.
Comment: The p.L511F variant (also known as c.1531C>T), located in coding exon 11 of the ACD gene, results from a C to T substitution at nucleotide position 1531. The leucine at codon 511 is replaced by phenylalanine, an amino acid with highly similar properties. This amino acid position is conserved. In addition, this alteration is predicted to be tolerated by in silico analysis. Since supporting evidence is limited at this time, the clinical significance of this alteration remains unclear.